The following is an entry in ClinVar:

ClinVar aggregate classification (germline): Uncertain significance (1 of 4 stars; one submission).

Submission:

Labcorp Genetics (formerly Invitae), Labcorp
Classification: Uncertain significance. Last evaluated: 2023-01-06. Review status: criteria provided, single submitter. Criteria: Invitae Variant Classification Sherloc (09022015). Collection method: clinical testing. Allele origin: germline.
Comment: This sequence change creates a premature translational stop signal (p.Glu681*) in the MTOR gene. It is expected to result in an absent or disrupted protein product. However, the current clinical and genetic evidence is not sufficient to establish whether loss-of-function variants in MTOR cause disease. In summary, the available evidence is currently insufficient to determine the role of this variant in disease. Therefore, it has been classified as a Variant of Uncertain Significance. This variant has not been reported in the literature in individuals affected with MTOR-related conditions. This variant is not present in population databases (gnomAD no frequency).

NM_004958.4(MTOR):c.2041G>T (p.Glu681Ter)

Gene: MTOR (mechanistic target of rapamycin kinase; minus strand). Cytogenetic location: 1p36.22.
Variant type: single nucleotide variant.
Coding change: c.2041G>T on transcript NM_004958.4 (MANE Select); coding-DNA position 2041, G replaced by T.
Protein change: p.Glu681Ter; replaces glutamic acid 681 with a stop codon.
Molecular consequence: nonsense.
Genome position (GRCh38, 1-based): chr1:11,238,010, C>A on the plus strand (G>T on the coding strand, the complement: MTOR is on the minus strand). VCF-style: chr1-11238010-C-A. GRCh37 (hg19) VCF-style: chr1-11298067-C-A.
Other names: c.2041G>T, p.Glu681Ter (NM_001386500.1); c.793G>T, p.Glu265Ter (NM_001386501.1); short protein forms E681*, E265*.
Identifiers: ClinVar variation 2826525 (VCV002826525.3), dbSNP rs143201596, ClinGen allele CA338388143.
Genomic context (GRCh38, chr1:11,238,010, plus strand): 5'-TCAGAGCCACAAACAAGGCCTGCAAGTTCTCCGCCTGGGCCAGGTGTGCATCAAAGCGCT[C>A]GTCCAGGGACGCCAAGACACAGTAGCGAATGTCAGGGTCTGCAAGAGCAATGGAGCCTTT-3'